The following is an entry in ClinVar:

NM_001851.6(COL9A1):c.2174T>A (p.Val725Glu)

Gene: COL9A1 (collagen type IX alpha 1 chain; minus strand). Cytogenetic location: 6q13.
Variant type: single nucleotide variant.
Coding change: c.2174T>A on transcript NM_001851.6 (MANE Select); coding-DNA position 2174, T replaced by A.
Protein change: p.Val725Glu; replaces valine 725 with glutamic acid.
Molecular consequence: missense variant. On other transcripts: non-coding transcript variant (1), intron variant (1).
Genome position (GRCh38, 1-based): chr6:70,234,879, A>T on the plus strand (T>A on the coding strand, the complement: COL9A1 is on the minus strand). VCF-style: chr6-70234879-A-T. GRCh37 (hg19) VCF-style: chr6-70944582-A-T.
Other names: c.1475T>A, p.Val492Glu (NM_001377289.1); c.1445T>A, p.Val482Glu (NM_078485.4); c.1384-286T>A (NM_001377290.1); c.2174T>A (NM_001851.4); short protein forms V482E, V725E, V492E.
Identifiers: ClinVar variation 2011032 (VCV002011032.5), dbSNP rs1428416801, ClinGen allele CA364673368.

ClinVar aggregate classification (germline): Uncertain significance. Review status: criteria provided, multiple submitters, no conflicts (2 of 4 stars). 2 submissions from 2 submitters: Uncertain significance (2). Last evaluated 2026-08-24.

Conditions:
COL9A1-related disorder. Also called: COL9A1-related condition; COL9A1-related disorders.

gnomAD v4.1: 4 of 1,613,732 alleles (0.00025%); highest among the groups gnomAD compares: Middle Eastern, 0.016%; no homozygotes.

Submissions (2):

PreventionGenetics, part of Exact Sciences
Classification: Uncertain significance for COL9A1-related condition. Last evaluated: 2026-08-24. Review status: criteria provided, single submitter. Criteria: ACMG Guidelines, 2015. Collection method: clinical testing. Allele origin: germline.
Comment: The COL9A1 c.2174T>A variant is predicted to result in the amino acid substitution p.Val725Glu. To our knowledge, this variant has not been reported in the literature. This variant is reported in 0.0029% of alleles in individuals of Latino descent in gnomAD. At this time, the clinical significance of this variant is uncertain due to the absence of conclusive functional and genetic evidence.

Labcorp Genetics (formerly Invitae), Labcorp
Classification: Uncertain significance. Last evaluated: 2022-06-26. Review status: criteria provided, single submitter. Criteria: Invitae Variant Classification Sherloc (09022015). Collection method: clinical testing. Allele origin: germline.
Comment: In summary, the available evidence is currently insufficient to determine the role of this variant in disease. Therefore, it has been classified as a Variant of Uncertain Significance. Advanced modeling of protein sequence and biophysical properties (such as structural, functional, and spatial information, amino acid conservation, physicochemical variation, residue mobility, and thermodynamic stability) performed at Invitae indicates that this missense variant is not expected to disrupt COL9A1 protein function. This variant has not been reported in the literature in individuals affected with COL9A1-related conditions. This variant is present in population databases (no rsID available, gnomAD 0.003%). This sequence change replaces valine, which is neutral and non-polar, with glutamic acid, which is acidic and polar, at codon 725 of the COL9A1 protein (p.Val725Glu).